The following is an entry in ClinVar:

ClinVar aggregate classification (germline): Uncertain significance (1 of 4 stars; one submission).

gnomAD v4.1: 9 of 1,614,190 alleles (0.00056%); highest among the groups gnomAD compares: Non-Finnish European, 0.00076%; no homozygotes.

Submission:

Women's Health and Genetics/Laboratory Corporation of America, LabCorp
Classification: Uncertain significance. Last evaluated: 2024-10-02. Review status: criteria provided, single submitter. Criteria: LabCorp Variant Classification Summary - May 2015. Collection method: clinical testing. Allele origin: germline.
Comment: Variant summary: RDH12 c.209G>A (p.Cys70Tyr) results in a non-conservative amino acid change in the encoded protein sequence. Five of five in-silico tools predict a damaging effect of the variant on protein function. The variant allele was found at a frequency of 5.6e-06 in 1607216 control chromosomes in the gnomAD database (v4.1 dataset). The available data on variant occurrences in the general population are insufficient to allow any conclusion about variant significance. c.209G>A has been reported in the literature in at least one individual affected with retinopathy, who carried a pathogenic variant in trans (e.g. Mackay_2011, Fahim_2019, Wang_2022, Lin_2024). These data do not allow clear conclusions about variant significance. To our knowledge, no experimental evidence demonstrating an impact on protein function has been reported. No submitters have cited clinical-significance assessments for this variant to ClinVar. Based on the evidence outlined above, the variant was classified as uncertain significance.

Literature cited by the submitters: PubMed 30979730; PubMed 35994252; PubMed 22065924; PubMed 38219857.

NM_152443.3(RDH12):c.209G>A (p.Cys70Tyr)

Genes: GPHN (gephyrin; plus strand), RDH12 (retinol dehydrogenase 12; plus strand). Cytogenetic location: 14q24.1.
Variant type: single nucleotide variant.
Coding change: c.209G>A on transcript NM_152443.3 (MANE Select); coding-DNA position 209, G replaced by A.
Protein change: p.Cys70Tyr; replaces cysteine 70 with tyrosine.
Molecular consequence: missense variant.
Genome position (GRCh38, 1-based): chr14:67,725,120, G>A. VCF-style: chr14-67725120-G-A. GRCh37 (hg19) VCF-style: chr14-68191837-G-A.
Other names: short protein forms C70Y.
Identifiers: ClinVar variation 3384977 (VCV003384977.1).
Genomic context (GRCh38, chr14:67,725,120, plus strand): 5'-GGATATGAACATACTGCTCTTTTTTTGTCTTGGACCCAGGAGCCCGAGTCTATATTGCCT[G>A]CAGAGATGTACTGAAGGGGGAGTCTGCTGCCAGTGAAATCCGAGTGGATACAAAGAACTC-3'
Protein context (NP_689656.2, residues 60-80): ASRGARVYIA[Cys70Tyr]RDVLKGESAA